The following is an entry in ClinVar:

NM_025137.4(SPG11):c.6478-2A>C

Gene: SPG11 (SPG11 vesicle trafficking associated, spatacsin; minus strand). Cytogenetic location: 15q21.1.
Variant type: single nucleotide variant.
Coding change: c.6478-2A>C on transcript NM_025137.4 (MANE Select); the canonical splice acceptor site of the intron before coding-DNA position 6478, A replaced by C.
Molecular consequence: splice acceptor variant.
Genome position (GRCh38, 1-based): chr15:44,569,507, T>G on the plus strand (A>C on the coding strand, the complement: SPG11 is on the minus strand). VCF-style: chr15-44569507-T-G. GRCh37 (hg19) VCF-style: chr15-44861705-T-G.
Other names: c.6334-2A>C (NM_001411132.1); c.6139-2A>C (NM_001160227.2).
Identifiers: ClinVar variation 1690402 (VCV001690402.5), dbSNP rs2082374687, ClinGen allele CA392216143.

ClinVar aggregate classification (germline): Likely pathogenic. Review status: criteria provided, multiple submitters, no conflicts (2 of 4 stars). 2 submissions from 2 submitters: Likely pathogenic (2). Last evaluated 2023-09-27.

Conditions:
Hereditary spastic paraplegia 11. Also called: Spastic Paraplegia 11; Spastic paraplegia, mental retardation and thin corpus callosum; Nakamura Osame syndrome; Autosomal recessive hereditary spastic paraplegia, mental impairment, and thin corpus callosum; SPASTIC PARAPLEGIA, AUTOSOMAL RECESSIVE, COMPLICATED, WITH THIN CORPUS CALLOSUM; SPASTIC PARAPLEGIA, AUTOSOMAL RECESSIVE, WITH MENTAL IMPAIRMENT AND THIN CORPUS CALLOSUM. Identifiers: Orphanet 2822, MedGen C1858479, MONDO:0011445, OMIM 604360.

Allele frequency attached by ClinVar (database versions not stated): gnomAD exomes below 0.00001.
gnomAD v4.1: 1 of 1,580,992 alleles (0.000063%); highest among the groups gnomAD compares: Middle Eastern, 0.018%; no homozygotes.

Submissions (2):

Labcorp Genetics (formerly Invitae), Labcorp
Classification: Likely pathogenic for Hereditary spastic paraplegia 11. Last evaluated: 2023-09-27. Review status: criteria provided, single submitter. Criteria: Invitae Variant Classification Sherloc (09022015). Collection method: clinical testing. Allele origin: germline.
Comment: In summary, the currently available evidence indicates that the variant is pathogenic, but additional data are needed to prove that conclusively. Therefore, this variant has been classified as Likely Pathogenic. This sequence change affects an acceptor splice site in intron 34 of the SPG11 gene. It is expected to disrupt RNA splicing. Variants that disrupt the donor or acceptor splice site typically lead to a loss of protein function (PMID: 16199547), and loss-of-function variants in SPG11 are known to be pathogenic (PMID: 19105190, 20110243, 22154821, 26556829). This variant is not present in population databases (gnomAD no frequency). This variant has not been reported in the literature in individuals affected with SPG11-related conditions. ClinVar contains an entry for this variant (Variation ID: 1690402). Algorithms developed to predict the effect of sequence changes on RNA splicing suggest that this variant may disrupt the consensus splice site.

Laboratorio de Genetica e Diagnostico Molecular, Hospital Israelita Albert Einstein
Classification: Likely pathogenic. Last evaluated: 2021-06-29. Review status: criteria provided, single submitter. Criteria: ACMG Guidelines, 2015. Collection method: clinical testing. Allele origin: germline. Affected: yes.
Comment: ACMG classification criteria: PVS1, PM2

Literature cited by the submitters: PubMed 16199547 (cited by Labcorp Genetics (formerly Invitae), Labcorp); PubMed 19105190 (cited by Labcorp Genetics (formerly Invitae), Labcorp); PubMed 20110243 (cited by Labcorp Genetics (formerly Invitae), Labcorp); PubMed 22154821 (cited by Labcorp Genetics (formerly Invitae), Labcorp); PubMed 26556829 (cited by Labcorp Genetics (formerly Invitae), Labcorp).